The following is an entry in ClinVar:

NM_032590.5(KDM2B):c.683+3A>G

Gene: KDM2B (lysine demethylase 2B; minus strand). Cytogenetic location: 12q24.31.
Variant type: single nucleotide variant.
Coding change: c.683+3A>G on transcript NM_032590.5 (MANE Select); 3 bases into the intron after coding-DNA position 683, A replaced by G.
Molecular consequence: intron variant.
Genome position (GRCh38, 1-based): chr12:121,548,874, T>C on the plus strand (A>G on the coding strand, the complement: KDM2B is on the minus strand). VCF-style: chr12-121548874-T-C. GRCh37 (hg19) VCF-style: chr12-121986779-T-C.
Other names: c.590+3A>G (NM_001005366.2).
Identifiers: ClinVar variation 3039957 (VCV003039957.7), dbSNP rs180952721, ClinGen allele CA6837154.

ClinVar aggregate classification (germline): Benign. Review status: criteria provided, multiple submitters, no conflicts (2 of 4 stars). 3 submissions from 3 submitters: Benign (2). 1 of the submissions does not count toward it. Last evaluated 2026-02-01.

Conditions:
KDM2B-related disorder. Also called: KDM2B-related condition.

Allele frequency attached by ClinVar (database versions not stated): gnomAD exomes 0.00028; ExAC 0.00088; 1000 Genomes Project 0.00140; 1000 Genomes Project 30x 0.00203; gnomAD 0.00254; ESP Exome Variant Server 0.00261; TOPMed 0.00320.
gnomAD v4.1: 820 of 1,612,696 alleles (0.051%); highest among the groups gnomAD compares: African/African-American, 0.94%; 4 homozygotes.

Submissions (3):

CeGaT Center for Human Genetics Tuebingen
Classification: Benign. Last evaluated: 2026-02-01. Review status: criteria provided, single submitter. Criteria: CeGaT Center For Human Genetics Tuebingen Variant Classification Criteria Version 2. Collection method: clinical testing. Allele origin: germline. Affected: yes. Observed: 1 variant allele.
Comment: KDM2B: BP4, BS1, BS2

Breakthrough Genomics
Classification: Benign. Review status: criteria provided, single submitter. Criteria: ACMG Guidelines, 2015. Collection method: not provided. Allele origin: germline. Inheritance: Unknown mechanism. Affected: yes.

PreventionGenetics, part of Exact Sciences
Classification: Benign for KDM2B-related condition. Last evaluated: 2019-09-18. Review status: no assertion criteria provided. Collection method: clinical testing. Allele origin: germline. Not counted in ClinVar's aggregate classification.
Comment: This variant is classified as benign based on ACMG/AMP sequence variant interpretation guidelines (Richards et al. 2015 PMID: 25741868, with internal and published modifications).